The following is an entry in ClinVar:

NM_006918.5(SC5D):c.798C>T (p.Leu266=)

Gene: SC5D (sterol-C5-desaturase; plus strand). Cytogenetic location: 11q24.1.
Variant type: single nucleotide variant.
Coding change: c.798C>T on transcript NM_006918.5 (MANE Select); coding-DNA position 798, C replaced by T.
Protein change: p.Leu266=; no amino-acid change (leucine 266 retained).
Molecular consequence: synonymous variant.
Genome position (GRCh38, 1-based): chr11:121,307,410, C>T. VCF-style: chr11-121307410-C-T. GRCh37 (hg19) VCF-style: chr11-121178119-C-T.
Other names: c.798C>T, p.Leu266= (NM_001024956.3); c.798C>T (NM_006918.4).
Identifiers: ClinVar variation 1655448 (VCV001655448.9), dbSNP rs1481877400, ClinGen allele CA477217869.

ClinVar aggregate classification (germline): Likely benign. Review status: criteria provided, multiple submitters, no conflicts (2 of 4 stars). 2 submissions from 2 submitters: Likely benign (2). Last evaluated 2026-04-14.

Conditions:
SC5D-related disorder. Also called: SC5D-related condition.

Allele frequency attached by ClinVar (database versions not stated): gnomAD 0.00001; gnomAD exomes 0.00001.
gnomAD v4.1: 13 of 1,612,802 alleles (0.00081%); highest among the groups gnomAD compares: Non-Finnish European, 0.0011%; no homozygotes.

Submissions (2):

PreventionGenetics, part of Exact Sciences
Classification: Likely benign for SC5D-related condition. Last evaluated: 2026-04-14. Review status: criteria provided, single submitter. Criteria: ACMG Guidelines, 2015. Collection method: clinical testing. Allele origin: germline.
Comment: This variant is classified as likely benign based on ACMG/AMP sequence variant interpretation guidelines (Richards et al. 2015 PMID: 25741868, with internal and published modifications).

Labcorp Genetics (formerly Invitae), Labcorp
Classification: Likely benign. Last evaluated: 2022-07-12. Review status: criteria provided, single submitter. Criteria: Invitae Variant Classification Sherloc (09022015). Collection method: clinical testing. Allele origin: germline.